The following is an entry in ClinVar:

ClinVar aggregate classification (germline): Uncertain significance (1 of 4 stars; one submission).

Submission:

Labcorp Genetics (formerly Invitae), Labcorp
Classification: Uncertain significance. Last evaluated: 2023-10-22. Review status: criteria provided, single submitter. Criteria: Invitae Variant Classification Sherloc (09022015). Collection method: clinical testing. Allele origin: germline.
Comment: This sequence change creates a premature translational stop signal (p.Leu71Serfs*33) in the NLRP1 gene. It is expected to result in an absent or disrupted protein product. However, the current clinical and genetic evidence is not sufficient to establish whether loss-of-function variants in NLRP1 cause disease. This variant is not present in population databases (gnomAD no frequency). This variant has not been reported in the literature in individuals affected with NLRP1-related conditions. In summary, the available evidence is currently insufficient to determine the role of this variant in disease. Therefore, it has been classified as a Variant of Uncertain Significance.

NM_033004.4(NLRP1):c.206_209dup (p.Leu71fs)

Gene: NLRP1 (NLR family pyrin domain containing 1; minus strand). Cytogenetic location: 17p13.2.
Variant type: Duplication.
Coding change: c.206_209dup on transcript NM_033004.4 (MANE Select); coding-DNA positions 206 to 209, 4 bases duplicated (TAGC; older notation c.206_209dupTAGC).
Protein change: p.Leu71fs; shifts the reading frame from leucine 71.
Molecular consequence: frameshift variant.
Genome position (GRCh38, 1-based): chr17:5,583,749-5,583,752, GCTA duplicated on the plus strand (TAGC on the coding strand, the reverse complement: NLRP1 is on the minus strand); duplicating any 4 consecutive bases within chr17:5,583,749-5,583,753 gives the same sequence; the c. name uses the placement nearest the transcript's 3' end. VCF-style (leftmost placement, unchanged base first): chr17-5583748-G-GGCTA. GRCh37 (hg19) VCF-style: chr17-5487068-G-GGCTA.
Other names: c.206_209dup, p.Leu71fs (NM_001033053.3, NM_014922.5, NM_033006.4 and 1 more transcripts); short protein forms L71fs.
Identifiers: ClinVar variation 2771095 (VCV002771095.3), dbSNP rs2508142994, ClinGen allele CA2697556143.
Genomic context (GRCh38, chr17:5,583,748, plus strand): 5'-TGCCCCTTCCTGGGCTTGGGCGCACAGTGACCTCAGCCCCATCTGCTCCCAGGTATGGAG[G>GGCTA]GCTAGGTCCCAGGCCCGCTGCTCCCCATACTGAGCCACCAGGTACGAGGCCACCTCCATG-3'